The following is an entry in ClinVar:

NM_001942.4(DSG1):c.385G>A (p.Ala129Thr)

Gene: DSG1 (desmoglein 1; plus strand). Cytogenetic location: 18q12.1.
Variant type: single nucleotide variant.
Coding change: c.385G>A on transcript NM_001942.4 (MANE Select); coding-DNA position 385, G replaced by A.
Protein change: p.Ala129Thr; replaces alanine 129 with threonine.
Molecular consequence: missense variant.
Genome position (GRCh38, 1-based): chr18:31,329,904, G>A. VCF-style: chr18-31329904-G-A. GRCh37 (hg19) VCF-style: chr18-28909867-G-A.
Other names: short protein forms A129T.
Identifiers: ClinVar variation 2475145 (VCV002475145.3), dbSNP rs2511044970, ClinGen allele CA402128476.

ClinVar aggregate classification (germline): Uncertain significance. Review status: criteria provided, multiple submitters, no conflicts (2 of 4 stars). 2 submissions from 2 submitters: Uncertain significance (2). Last evaluated 2025-04-11.

Conditions:
Inborn genetic diseases. Identifiers: MedGen C0950123, MeSH D030342.

Submissions (2):

Labcorp Genetics (formerly Invitae), Labcorp
Classification: Uncertain significance. Last evaluated: 2025-04-11. Review status: criteria provided, single submitter. Criteria: Invitae Variant Classification Sherloc (09022015). Collection method: clinical testing. Allele origin: germline.
Comment: This sequence change replaces alanine, which is neutral and non-polar, with threonine, which is neutral and polar, at codon 129 of the DSG1 protein (p.Ala129Thr). This variant is not present in population databases (gnomAD no frequency). This variant has not been reported in the literature in individuals affected with DSG1-related conditions. ClinVar contains an entry for this variant (Variation ID: 2475145). Invitae Evidence Modeling of protein sequence and biophysical properties (such as structural, functional, and spatial information, amino acid conservation, physicochemical variation, residue mobility, and thermodynamic stability) has been performed for this missense variant. However, the output from this modeling did not meet the statistical confidence thresholds required to predict the impact of this variant on DSG1 protein function. In summary, the available evidence is currently insufficient to determine the role of this variant in disease. Therefore, it has been classified as a Variant of Uncertain Significance.

Ambry Genetics
Classification: Uncertain significance for Inborn genetic diseases. Last evaluated: 2023-01-10. Review status: criteria provided, single submitter. Criteria: Ambry Variant Classification Scheme 2023. Collection method: clinical testing. Allele origin: germline.